The following is an entry in ClinVar:

NM_032444.4(SLX4):c.1396G>A (p.Val466Ile)

Gene: SLX4 (SLX4 structure-specific endonuclease subunit; minus strand). Cytogenetic location: 16p13.3.
Variant type: single nucleotide variant.
Coding change: c.1396G>A on transcript NM_032444.4 (MANE Select); coding-DNA position 1396, G replaced by A.
Protein change: p.Val466Ile; replaces valine 466 with isoleucine.
Molecular consequence: missense variant.
Genome position (GRCh38, 1-based): chr16:3,597,666, C>T on the plus strand (G>A on the coding strand, the complement: SLX4 is on the minus strand). VCF-style: chr16-3597666-C-T. GRCh37 (hg19) VCF-style: chr16-3647667-C-T.
Other names: short protein forms V466I.
Identifiers: ClinVar variation 3017965 (VCV003017965.4), dbSNP rs1018886618, ClinGen allele CA276964582.

ClinVar aggregate classification (germline): Uncertain significance. Review status: criteria provided, multiple submitters, no conflicts (2 of 4 stars). 2 submissions from 2 submitters: Uncertain significance (2). Last evaluated 2025-12-11.

Conditions:
Fanconi anemia (FA). Also called: Fanconi's anemia. Identifiers: Orphanet 84, MedGen C0015625, MeSH D005199, MONDO:0019391.
Inborn genetic diseases. Identifiers: MedGen C0950123, MeSH D030342.

Allele frequency attached by ClinVar (database versions not stated): TOPMed 0.00002.
gnomAD v4.1: 2 of 1,613,888 alleles (0.00012%); highest among the groups gnomAD compares: Admixed American, 0.0033%; no homozygotes.

Submissions (2):

Ambry Genetics
Classification: Uncertain significance for Inborn genetic diseases. Last evaluated: 2025-12-11. Review status: criteria provided, single submitter. Criteria: Ambry Variant Classification Scheme 2023. Collection method: clinical testing. Allele origin: germline.

Labcorp Genetics (formerly Invitae), Labcorp
Classification: Uncertain significance for Fanconi anemia. Last evaluated: 2024-10-21. Review status: criteria provided, single submitter. Criteria: Invitae Variant Classification Sherloc (09022015). Collection method: clinical testing. Allele origin: germline.
Comment: This sequence change replaces valine, which is neutral and non-polar, with isoleucine, which is neutral and non-polar, at codon 466 of the SLX4 protein (p.Val466Ile). This variant is not present in population databases (gnomAD no frequency). This variant has not been reported in the literature in individuals affected with SLX4-related conditions. An algorithm developed to predict the effect of missense changes on protein structure and function outputs the following: PolyPhen-2: "Benign". The isoleucine amino acid residue is found in multiple mammalian species, which suggests that this missense change does not adversely affect protein function. In summary, the available evidence is currently insufficient to determine the role of this variant in disease. Therefore, it has been classified as a Variant of Uncertain Significance.